The following is an entry in ClinVar:

ClinVar aggregate classification (germline): Pathogenic (1 of 4 stars; one submission).

Conditions:
Hereditary cancer-predisposing syndrome. Also called: Hereditary Cancer Syndrome; Hereditary neoplastic syndrome; Tumor predisposition; Neoplastic Syndromes, Hereditary. Identifiers: Orphanet 140162, MedGen C0027672, MeSH D009386, MONDO:0015356.

Submission:

Ambry Genetics
Classification: Pathogenic for Hereditary cancer-predisposing syndrome. Last evaluated: 2014-07-16. Review status: criteria provided, single submitter. Criteria: Ambry Variant Classification Scheme 2023. Collection method: clinical testing. Allele origin: germline.
Comment: The c.250delG pathogenic mutation, located in coding exon 1 of the VHL gene, results from a deletion of one nucleotide at nucleotide position 250, causing a translational frameshift with a predicted alternate stop codon. Since frameshifts are typically deleterious in nature, this alteration is interpreted as a disease-causing mutation (ACMG Recommendations for Standards for Interpretation and Reporting of Sequence Variations. Revision 2007. Genet Med. 2008;10:294).

NM_000551.4(VHL):c.250del (p.Val84fs)

Gene: VHL (von Hippel-Lindau tumor suppressor; plus strand). Cytogenetic location: 3p25.3.
Variant type: Deletion.
Coding change: c.250del on transcript NM_000551.4 (MANE Select); coding-DNA position 250, one base deleted (G; older notation c.250delG).
Protein change: p.Val84fs; shifts the reading frame from valine 84.
Molecular consequence: frameshift variant.
Genome position (GRCh38, 1-based): chr3:10,142,097, G deleted. VCF-style (leftmost placement, unchanged base first): chr3-10142096-CG-C. GRCh37 (hg19) VCF-style: chr3-10183780-CG-C.
Other names: c.250del, p.Val84fs (NM_001354723.2, NM_198156.3); short protein forms V84fs.
Identifiers: ClinVar variation 1792371 (VCV001792371.2), dbSNP rs2470158265, ClinGen allele CA2580068400.